The following is an entry in ClinVar:

NM_014014.5(SNRNP200):c.4584+4G>T

Gene: SNRNP200 (small nuclear ribonucleoprotein U5 subunit 200; minus strand). Cytogenetic location: 2q11.2.
Variant type: single nucleotide variant.
Coding change: c.4584+4G>T on transcript NM_014014.5 (MANE Select); 4 bases into the intron after coding-DNA position 4584, G replaced by T.
Molecular consequence: intron variant.
Genome position (GRCh38, 1-based): chr2:96,283,809, C>A on the plus strand (G>T on the coding strand, the complement: SNRNP200 is on the minus strand). VCF-style: chr2-96283809-C-A. GRCh37 (hg19) VCF-style: chr2-96949547-C-A.
Identifiers: ClinVar variation 1997766 (VCV001997766.4), dbSNP rs2467322129, ClinGen allele CA2580068333.

ClinVar aggregate classification (germline): Uncertain significance (1 of 4 stars; one submission).

Submission:

Labcorp Genetics (formerly Invitae), Labcorp
Classification: Uncertain significance. Last evaluated: 2022-05-21. Review status: criteria provided, single submitter. Criteria: Invitae Variant Classification Sherloc (09022015). Collection method: clinical testing. Allele origin: germline.
Comment: In summary, the available evidence is currently insufficient to determine the role of this variant in disease. Therefore, it has been classified as a Variant of Uncertain Significance. Variants that disrupt the consensus splice site are a relatively common cause of aberrant splicing (PMID: 17576681, 9536098). Algorithms developed to predict the effect of sequence changes on RNA splicing suggest that this variant is not likely to affect RNA splicing. This variant has not been reported in the literature in individuals affected with SNRNP200-related conditions. This variant is not present in population databases (gnomAD no frequency). This sequence change falls in intron 32 of the SNRNP200 gene. It does not directly change the encoded amino acid sequence of the SNRNP200 protein. It affects a nucleotide within the consensus splice site.

Literature cited by the submitters: PubMed 17576681; PubMed 9536098.